The following is an entry in ClinVar:

NM_000152.5(GAA):c.1754+12G>A

Gene: GAA (alpha glucosidase; plus strand). Cytogenetic location: 17q25.3.
Variant type: single nucleotide variant.
Coding change: c.1754+12G>A on transcript NM_000152.5 (MANE Select); 12 bases into the intron after coding-DNA position 1754, G replaced by A.
Molecular consequence: intron variant.
Genome position (GRCh38, 1-based): chr17:80,112,112, G>A. VCF-style: chr17-80112112-G-A. GRCh37 (hg19) VCF-style: chr17-78085911-G-A.
Other names: c.1754+12G>A (NM_001079803.3, NM_001079804.3, LRG_673t1).
Identifiers: ClinVar variation 92468 (VCV000092468.35), dbSNP rs2304840, ClinGen allele CA145763.

ClinVar aggregate classification (germline): Benign. Review status: criteria provided, multiple submitters, no conflicts (2 of 4 stars). 13 submissions from 13 submitters: Benign (10). 3 of the submissions do not count toward it. Last evaluated 2026-07-01.

Conditions:
Glycogen storage disease, type II (IOPD). Also called: POMPE DISEASE, INFANTILE-ONSET; GLYCOGEN STORAGE DISEASE II, INFANTILE-ONSET; ACID ALPHA-GLUCOSIDASE DEFICIENCY, INFANTILE-ONSET; GAA DEFICIENCY, INFANTILE-ONSET; ACID MALTASE DEFICIENCY, INFANTILE-ONSET; Glucosidase acid-1,4-alpha deficiency. Identifiers: Orphanet 365, MedGen C0017921, MONDO:0009290, OMIM 232300.

Allele frequency attached by ClinVar (database versions not stated): gnomAD exomes 0.05597 and 0.06282; ExAC 0.05814; gnomAD 0.06223 and 0.06396; 1000 Genomes Project 0.06310; 1000 Genomes Project 30x 0.06402; TOPMed 0.06424; ESP Exome Variant Server 0.07012.
gnomAD v4.1: 100,766 of 1,608,178 alleles (6.3%); highest among the groups gnomAD compares: African/African-American, 7.7%; 3,337 homozygotes.

Submissions (13):

Genomenon, Inc
Classification: Benign for Glycogen storage disease, type II. Last evaluated: 2026-07-01. Review status: criteria provided, single submitter. Criteria: Genomenon Sequence Variant Interpretation Standards - Updated. Collection method: curation. Allele origin: germline. Affected: no.
Comment: GAA c.1754+12G>A is an intronic variant located in intron 12. This variant is present at high allele frequency in population databases. We classify GAA c.1754+12G>A as a benign variant.

Labcorp Genetics (formerly Invitae), Labcorp
Classification: Benign for Glycogen storage disease, type II. Last evaluated: 2026-02-04. Review status: criteria provided, single submitter. Criteria: Invitae Variant Classification Sherloc (09022015). Collection method: clinical testing. Allele origin: germline.

ARUP Laboratories, Molecular Genetics and Genomics, ARUP Laboratories
Classification: Benign for Glycogen storage disease, type II. Last evaluated: 2025-07-31. Review status: criteria provided, single submitter. Criteria: ARUP Molecular Germline Variant Investigation Process 2024. Collection method: clinical testing. Allele origin: germline.

Blueprint Genetics
Classification: Benign. Last evaluated: 2024-11-28. Review status: criteria provided, single submitter. Criteria: ACMG Guidelines, 2015. Collection method: clinical testing. Allele origin: germline.

Genome-Nilou Lab
Classification: Benign for Glycogen storage disease, type II. Last evaluated: 2021-07-08. Review status: criteria provided, single submitter. Criteria: ACMG Guidelines, 2015. Collection method: clinical testing. Allele origin: germline. Affected: no.

Illumina Laboratory Services, Illumina
Classification: Benign for Glycogen storage disease, type II. Last evaluated: 2018-01-12. Review status: criteria provided, single submitter. Criteria: ICSL Variant Classification Criteria 13 December 2019. Collection method: clinical testing. Allele origin: germline.
Comment: This variant was observed in the ICSL laboratory as part of a predisposition screen in an ostensibly healthy population. It had not been previously curated by ICSL or reported in the Human Gene Mutation Database (HGMD: prior to June 1st, 2018), and was therefore a candidate for classification through an automated scoring system. Utilizing variant allele frequency, disease prevalence and penetrance estimates, and inheritance mode, an automated score was calculated to assess if this variant is too frequent to cause the disease. Based on the score and internal cut-off values, a variant classified as benign is not then subjected to further curation. The score for this variant resulted in a classification of benign for this disease.

GeneDx
Classification: Benign. Last evaluated: 2015-03-03. Review status: criteria provided, single submitter. Criteria: GeneDx Variant Classification Process June 2021. Collection method: clinical testing. Allele origin: germline. Affected: yes.

Eurofins Ntd Llc (ga)
Classification: Benign. Last evaluated: 2012-10-15. Review status: criteria provided, single submitter. Criteria: EGL Classification Definitions 2015. Collection method: clinical testing. Allele origin: germline. Observed: 9 variant alleles, 8 heterozygotes, 1 homozygote.

Breakthrough Genomics
Classification: Benign. Review status: criteria provided, single submitter. Criteria: ACMG Guidelines, 2015. Collection method: not provided. Allele origin: germline. Inheritance: Autosomal recessive inheritance. Affected: yes.

PreventionGenetics, part of Exact Sciences
Classification: Benign. Review status: criteria provided, single submitter. Criteria: ACMG Guidelines, 2015. Collection method: clinical testing. Allele origin: germline.

Mayo Clinic Laboratories, Mayo Clinic
Classification: Benign. Last evaluated: 2017-04-18. Review status: no assertion criteria provided. Collection method: clinical testing. Allele origin: unknown. Not counted in ClinVar's aggregate classification.

Clinical Genetics DNA and cytogenetics Diagnostics Lab, Erasmus MC, Erasmus Medical Center
Classification: Benign. Review status: no assertion criteria provided. Collection method: clinical testing. Allele origin: germline. Affected: yes. Study: VKGL Data-share Consensus. Not counted in ClinVar's aggregate classification.

Genome Diagnostics Laboratory, University Medical Center Utrecht
Classification: Benign. Review status: no assertion criteria provided. Collection method: clinical testing. Allele origin: germline. Affected: yes. Study: VKGL Data-share Consensus. Not counted in ClinVar's aggregate classification.